The following is an entry in ClinVar:

ClinVar aggregate classification (germline): Likely benign. Review status: criteria provided, multiple submitters, no conflicts (2 of 4 stars). 2 submissions from 2 submitters: Likely benign (2). Last evaluated 2025-01-07.

Conditions:
Autosomal recessive limb-girdle muscular dystrophy type R18 (LGMDR18). Also called: Autosomal recessive limb-girdle muscular dystrophy type 2S; Limb-girdle muscular dystrophy, type 2S; MUSCULAR DYSTROPHY, LIMB-GIRDLE, AUTOSOMAL RECESSIVE 18. Identifiers: Orphanet 369840, MedGen C4517996, MONDO:0014144, OMIM 615356.

Allele frequency attached by ClinVar (database versions not stated): TOPMed below 0.00001; gnomAD exomes 0.00001; gnomAD 0.00002.
gnomAD v4.1: 12 of 1,613,672 alleles (0.00074%); highest among the groups gnomAD compares: African/African-American, 0.0013%; no homozygotes.

Submissions (2):

Athena Diagnostics
Classification: Likely benign. Last evaluated: 2025-01-07. Review status: criteria provided, single submitter. Criteria: Athena Diagnostics Criteria. Collection method: clinical testing. Allele origin: unknown.
Comment: Computational tools yielded predictions that this variant is unlikely to have an effect on normal RNA splicing. This nucleotide position exhibits low evolutionary conservation.

Labcorp Genetics (formerly Invitae), Labcorp
Classification: Likely benign for Autosomal recessive limb-girdle muscular dystrophy type R18. Last evaluated: 2024-10-15. Review status: criteria provided, single submitter. Criteria: Invitae Variant Classification Sherloc (09022015). Collection method: clinical testing. Allele origin: germline.

NM_021942.6(TRAPPC11):c.1575T>A (p.Thr525=)

Gene: TRAPPC11 (trafficking protein particle complex subunit 11; plus strand). Cytogenetic location: 4q35.1.
Variant type: single nucleotide variant.
Coding change: c.1575T>A on transcript NM_021942.6 (MANE Select); coding-DNA position 1575, T replaced by A.
Protein change: p.Thr525=; no amino-acid change (threonine 525 retained).
Molecular consequence: synonymous variant.
Genome position (GRCh38, 1-based): chr4:183,685,091, T>A. VCF-style: chr4-183685091-T-A. GRCh37 (hg19) VCF-style: chr4-184606244-T-A.
Other names: c.1575T>A, p.Thr525= (NM_199053.3); c.1575T>A (NM_021942.5).
Identifiers: ClinVar variation 2195952 (VCV002195952.5), dbSNP rs1188106131, ClinGen allele CA442577478.
Genomic context (GRCh38, chr4:183,685,091, plus strand): 5'-AGTAGACTTAATTATAAGTACTTAAAATGTTTTTCCTTCTTTCTTCATACTAGCTTCAAC[T>A]CTGAAAGATGACCAGAAGTCTCGGATAGAAAAGAACCTCATAAATGTTTTAATGGTAGGT-3'
Protein context (NP_068761.4, residues 515-535): YSLELLGRAS[Thr525=]LKDDQKSRIE